The following is an entry in ClinVar:

NM_005546.4(ITK):c.868A>G (p.Ile290Val)

Gene: ITK (IL2 inducible T cell kinase; plus strand). Cytogenetic location: 5q33.3.
Variant type: single nucleotide variant.
Coding change: c.868A>G on transcript NM_005546.4 (MANE Select); coding-DNA position 868, A replaced by G.
Protein change: p.Ile290Val; replaces isoleucine 290 with valine.
Molecular consequence: missense variant.
Genome position (GRCh38, 1-based): chr5:157,240,078, A>G. VCF-style: chr5-157240078-A-G. GRCh37 (hg19) VCF-style: chr5-156667088-A-G.
Other names: short protein forms I290V.
Identifiers: ClinVar variation 2166181 (VCV002166181.2), dbSNP rs150729024, ClinGen allele CA130156910.
Genomic context (GRCh38, chr5:157,240,078, plus strand): 5'-ATTGCTTCTTAATAATCATTACATTTGTGTTTCATTTGTTTAAGTGAGAACAATCCCTGT[A>G]TAAAGCATTATCACATCAAGGAAACAAATGACAATCCTAAGCGATACTATGTGGCTGAAA-3'
Protein context (NP_005537.3, residues 280-300): KAVVSENNPC[Ile290Val]KHYHIKETND

ClinVar aggregate classification (germline): Uncertain significance (1 of 4 stars; one submission).

Conditions:
Lymphoproliferative syndrome 1 (LPFS1). Identifiers: Orphanet 238505, Orphanet 538963, MedGen C3552634, MONDO:0013081, OMIM 613011.

gnomAD v4.1: 63 of 1,611,466 alleles (0.0039%); highest among the groups gnomAD compares: Non-Finnish European, 0.0049%; no homozygotes.

Submission:

Labcorp Genetics (formerly Invitae), Labcorp
Classification: Uncertain significance for Lymphoproliferative syndrome 1. Last evaluated: 2025-06-03. Review status: criteria provided, single submitter. Criteria: Invitae Variant Classification Sherloc (09022015). Collection method: clinical testing. Allele origin: germline.
Comment: This sequence change replaces isoleucine, which is neutral and non-polar, with valine, which is neutral and non-polar, at codon 290 of the ITK protein (p.Ile290Val). This variant is present in population databases (no rsID available, gnomAD 0.002%). This variant has not been reported in the literature in individuals affected with ITK-related conditions. ClinVar contains an entry for this variant (Variation ID: 2166181). Invitae Evidence Modeling of protein sequence and biophysical properties (such as structural, functional, and spatial information, amino acid conservation, physicochemical variation, residue mobility, and thermodynamic stability) indicates that this missense variant is not expected to disrupt ITK protein function with a negative predictive value of 80%. In summary, the available evidence is currently insufficient to determine the role of this variant in disease. Therefore, it has been classified as a Variant of Uncertain Significance.